The following is an entry in ClinVar:

ClinVar aggregate classification (germline): Likely pathogenic (1 of 4 stars; one submission).

gnomAD v4.1: 3 of 152,092 alleles (0.002%); highest among the groups gnomAD compares: Admixed American, 0.0065%; no homozygotes.

Submission:

GeneDx
Classification: Likely pathogenic. Last evaluated: 2025-06-02. Review status: criteria provided, single submitter. Criteria: GeneDx Variant Classification Process June 2021. Collection method: clinical testing. Allele origin: germline. Affected: yes.
Comment: RNA studies demonstrate a damaging effect (PMID: 35534204); No data available from control populations to assess the frequency of this variant; This variant is associated with the following publications: (PMID: 35534204)

NM_000553.6(WRN):c.3234-170A>G

Gene: WRN (WRN RecQ like helicase; plus strand). Cytogenetic location: 8p12.
Variant type: single nucleotide variant.
Coding change: c.3234-170A>G on transcript NM_000553.6 (MANE Select); 170 bases into the intron before coding-DNA position 3234, A replaced by G.
Molecular consequence: intron variant.
Genome position (GRCh38, 1-based): chr8:31,142,456, A>G. VCF-style: chr8-31142456-A-G. GRCh37 (hg19) VCF-style: chr8-30999972-A-G.
Identifiers: ClinVar variation 4536286 (VCV004536286.1).